The following is an entry in ClinVar:

ClinVar aggregate classification (germline): Likely pathogenic (1 of 4 stars; one submission).

Conditions:
BCOR-related disorder. Also called: BCOR-related condition; BCOR-related disorders.

Submission:

PreventionGenetics, part of Exact Sciences
Classification: Likely pathogenic for BCOR-related condition. Last evaluated: 2026-08-11. Review status: criteria provided, single submitter. Criteria: ACMG Guidelines, 2015. Collection method: clinical testing. Allele origin: germline.
Comment: The BCOR c.1005dupC variant is predicted to result in a frameshift and premature protein termination (p.Ser336Leufs*45). To our knowledge, this variant has not been reported in the literature. This variant is absent in a large population database (gnomAD), indicating this variant is rare. Frameshift variants in BCOR are an established mechanism of disease. This variant is interpreted as likely pathogenic.

NM_001123385.2(BCOR):c.1005dup (p.Ser336fs)

Genes: BCOR (BCL6 corepressor; minus strand), LOC126863239 (MED14-independent group 3 enhancer GRCh37_chrX:39932994-39934193; plus strand). Cytogenetic location: Xp11.4.
Variant type: Duplication.
Coding change: c.1005dup on transcript NM_001123385.2 (MANE Select); coding-DNA position 1005, one base duplicated (C; older notation c.1005dupC).
Protein change: p.Ser336fs; shifts the reading frame from serine 336.
Molecular consequence: frameshift variant.
Genome position (GRCh38, 1-based): chrX:40,074,341, G duplicated on the plus strand (C on the coding strand, the reverse complement: BCOR is on the minus strand); the first of 6 consecutive G bases (chrX:40,074,341-40,074,346); duplicating any one gives the same sequence. VCF-style (leftmost placement, unchanged base first): chrX-40074340-A-AG. GRCh37 (hg19) VCF-style: chrX-39933593-A-AG.
Other names: c.1005dupC (NM_001123383.1); c.1005dup, p.Ser336fs (NM_001123383.2, NM_001123384.2, NM_001437510.1 and 4 more transcripts); short protein forms S336fs.
Identifiers: ClinVar variation 4996013 (VCV004996013.1).